The following is an entry in ClinVar:

ClinVar aggregate classification (germline): Uncertain significance (1 of 4 stars; one submission).

Conditions:
Curry-Hall syndrome (WAD). Also called: WEYERS ACRODENTAL DYSOSTOSIS. Identifiers: Orphanet 952, MedGen C0457013, MONDO:0008673, OMIM 193530.
Ellis-van Creveld syndrome (EVC). Also called: EVC-Related Ellis-van Creveld Syndrome; EVC2-Related Ellis-van Creveld Syndrome; MESOECTODERMAL DYSPLASIA; Chondroectodermal dysplasia. Identifiers: Orphanet 289, MedGen C0013903, MONDO:0009162, OMIM 225500.

Submission:

Labcorp Genetics (formerly Invitae), Labcorp
Classification: Uncertain significance for Curry-Hall syndrome; Ellis-van Creveld syndrome. Last evaluated: 2025-01-13. Review status: criteria provided, single submitter. Criteria: Invitae Variant Classification Sherloc (09022015). Collection method: clinical testing. Allele origin: germline.
Comment: This sequence change falls in intron 8 of the EVC gene. It does not directly change the encoded amino acid sequence of the EVC protein. Information on the frequency of this variant in the gnomAD database is not available, as this variant may be reported differently in the database. This variant has not been reported in the literature in individuals affected with EVC-related conditions. Experimental studies and prediction algorithms are not available or were not evaluated, and the effect of this variant on mRNA splicing is currently unknown. In summary, the available evidence is currently insufficient to determine the role of this variant in disease. Therefore, it has been classified as a Variant of Uncertain Significance.

NM_153717.3(EVC):c.1099-19_1099-18inv

Gene: EVC (EvC ciliary complex subunit 1; plus strand). Cytogenetic location: 4p16.2.
Variant type: Inversion.
Coding change: c.1099-19_1099-18inv on transcript NM_153717.3 (MANE Select).
Molecular consequence: intron variant.
Genome position: GRCh38 VCF-style: chr4-5752817-TG-CA. GRCh37 (hg19) VCF-style: chr4-5754544-TG-CA.
Other names: c.1099-19_1099-18inv (NM_001306090.2, NM_001306092.2).
Identifiers: ClinVar variation 3758044 (VCV003758044.2).